The following is an entry in ClinVar:

ClinVar aggregate classification (germline): Uncertain significance. Review status: criteria provided, multiple submitters, no conflicts (2 of 4 stars). 6 submissions from 6 submitters: Uncertain significance (5). 1 of the submissions does not count toward it. Last evaluated 2025-08-14.

Conditions:
SDCCAG8-related disorder. Also called: SDCCAG8-related condition; SDCCAG8-Related Disorders.
Bardet-Biedl syndrome 16 (BBS16). Identifiers: Orphanet 110, MedGen C3889474, MONDO:0014444, OMIM 615993.
Senior-Loken syndrome 7 (SLSN7). Identifiers: Orphanet 3156, MedGen C3150877, MONDO:0013326, OMIM 613615.
Inborn genetic diseases. Identifiers: MedGen C0950123, MeSH D030342.

Allele frequency attached by ClinVar (database versions not stated): gnomAD 0.00002 and 0.00003; gnomAD exomes 0.00002; ExAC 0.00003; TOPMed 0.00003.
gnomAD v4.1: 29 of 1,613,858 alleles (0.0018%); highest among the groups gnomAD compares: African/African-American, 0.0027%; no homozygotes.

Submissions (6):

Ambry Genetics
Classification: Uncertain significance for Inborn genetic diseases. Last evaluated: 2025-08-14. Review status: criteria provided, single submitter. Criteria: Ambry Variant Classification Scheme 2023. Collection method: clinical testing. Allele origin: germline.

Fulgent Genetics
Classification: Uncertain significance for Senior-Loken syndrome 7; Bardet-Biedl syndrome 16. Last evaluated: 2024-06-24. Review status: criteria provided, single submitter. Criteria: ACMG Guidelines, 2015. Collection method: clinical testing. Allele origin: germline.

Blueprint Genetics
Classification: Uncertain significance. Last evaluated: 2022-11-29. Review status: criteria provided, single submitter. Criteria: ACMG Guidelines, 2015. Collection method: clinical testing. Allele origin: germline.

Labcorp Genetics (formerly Invitae), Labcorp
Classification: Uncertain significance for Bardet-Biedl syndrome 16; Senior-Loken syndrome 7. Last evaluated: 2022-10-13. Review status: criteria provided, single submitter. Criteria: Invitae Variant Classification Sherloc (09022015). Collection method: clinical testing. Allele origin: germline.
Comment: This sequence change replaces valine, which is neutral and non-polar, with isoleucine, which is neutral and non-polar, at codon 655 of the SDCCAG8 protein (p.Val655Ile). This variant is present in population databases (rs776040834, gnomAD 0.004%). This variant has not been reported in the literature in individuals affected with SDCCAG8-related conditions. ClinVar contains an entry for this variant (Variation ID: 281535). Advanced modeling of protein sequence and biophysical properties (such as structural, functional, and spatial information, amino acid conservation, physicochemical variation, residue mobility, and thermodynamic stability) performed at Invitae indicates that this missense variant is not expected to disrupt SDCCAG8 protein function. In summary, the available evidence is currently insufficient to determine the role of this variant in disease. Therefore, it has been classified as a Variant of Uncertain Significance.

Eurofins Ntd Llc (ga)
Classification: Uncertain significance. Last evaluated: 2015-06-17. Review status: criteria provided, single submitter. Criteria: EGL Classification Definitions 2015. Collection method: clinical testing. Allele origin: germline. Observed: 1 variant allele, 1 heterozygote.

PreventionGenetics, part of Exact Sciences
Classification: Uncertain significance for SDCCAG8-related condition. Last evaluated: 2024-07-05. Review status: no assertion criteria provided. Collection method: clinical testing. Allele origin: germline. Not counted in ClinVar's aggregate classification.
Comment: The SDCCAG8 c.1963G>A variant is predicted to result in the amino acid substitution p.Val655Ile. To our knowledge, this variant has not been reported in the literature. This variant is reported in 0.0040% of alleles in individuals of African descent in gnomAD. At this time, the clinical significance of this variant is uncertain due to the absence of conclusive functional and genetic evidence.

NM_006642.5(SDCCAG8):c.1963G>A (p.Val655Ile)

Gene: SDCCAG8 (SHH signaling and ciliogenesis regulator SDCCAG8; plus strand). Cytogenetic location: 1q43.
Variant type: single nucleotide variant.
Coding change: c.1963G>A on transcript NM_006642.5 (MANE Select); coding-DNA position 1963, G replaced by A.
Protein change: p.Val655Ile; replaces valine 655 with isoleucine.
Molecular consequence: missense variant.
Genome position (GRCh38, 1-based): chr1:243,426,536, G>A. VCF-style: chr1-243426536-G-A. GRCh37 (hg19) VCF-style: chr1-243589838-G-A.
Other names: c.1060G>A, p.Val354Ile (NM_001350246.2, NM_001350247.2, NM_001350251.2); c.2059G>A, p.Val687Ile (NM_001350248.2); c.1669G>A, p.Val557Ile (NM_001350249.2); c.1963G>A (NM_006642.3); short protein forms V655I, V687I, V354I, V557I.
Identifiers: ClinVar variation 281535 (VCV000281535.13), dbSNP rs776040834, ClinGen allele CA1483784.